The following is an entry in ClinVar:

NM_005360.5(MAF):c.823_834del (p.Asn275_Leu278del)

Gene: MAF (MAF bZIP transcription factor; minus strand). Cytogenetic location: 16q23.2.
Variant type: Deletion.
Coding change: c.823_834del on transcript NM_005360.5 (MANE Select); coding-DNA positions 823 to 834, 12 bases deleted (AACCGGCAGCTG).
Protein change: p.Asn275_Leu278del.
Molecular consequence: inframe deletion.
Genome position (GRCh38, 1-based): chr16:79,599,069-79,599,080, CAGCTGCCGGTT deleted on the plus strand (AACCGGCAGCTG on the coding strand, the reverse complement: MAF is on the minus strand); deleting any 12 consecutive bases within chr16:79,599,069-79,599,085 gives the same sequence; the c. name uses the placement nearest the transcript's 3' end. VCF-style (leftmost placement, unchanged base first): chr16-79599068-GCAGCTGCCGGTT-G. GRCh37 (hg19) VCF-style: chr16-79632965-GCAGCTGCCGGTT-G.
Other names: c.823_834del, p.Asn275_Leu278del (NM_001031804.3).
Identifiers: ClinVar variation 2941805 (VCV002941805.3), dbSNP rs2507655765, ClinGen allele CA2740093438.

ClinVar aggregate classification (germline): Uncertain significance (1 of 4 stars; one submission).

Conditions:
Cataract 21 multiple types. Also called: CATARACT 21, MULTIPLE TYPES, WITH OR WITHOUT MICROCORNEA; CATARACT 21, CERULEAN, WITH OR WITHOUT MICROCORNEA; CATARACT 21, MULTIPLE TYPES, WITH MICROCORNEA; Cataract, congenital, cerulean type, 4. Identifiers: Orphanet 91492, MedGen C1857768, MONDO:0012437, OMIM 610202.
Ayme-Gripp syndrome. Also called: Aymé-Gripp Syndrome. Identifiers: MedGen C1832812, MONDO:0010992, OMIM 601088.

Submission:

Labcorp Genetics (formerly Invitae), Labcorp
Classification: Uncertain significance for Cataract 21 multiple types; Ayme-Gripp syndrome. Last evaluated: 2022-11-24. Review status: criteria provided, single submitter. Criteria: Invitae Variant Classification Sherloc (09022015). Collection method: clinical testing. Allele origin: germline.
Comment: Experimental studies and prediction algorithms are not available or were not evaluated, and the functional significance of this variant is currently unknown. In summary, the available evidence is currently insufficient to determine the role of this variant in disease. Therefore, it has been classified as a Variant of Uncertain Significance. This variant has not been reported in the literature in individuals affected with MAF-related conditions. This variant, c.823_834del, results in the deletion of 4 amino acid(s) of the MAF protein (p.Asn275_Leu278del), but otherwise preserves the integrity of the reading frame. This variant is not present in population databases (gnomAD no frequency).